The following is an entry in ClinVar:

ClinVar aggregate classification (germline): Uncertain significance (1 of 4 stars; one submission).

Submission:

Labcorp Genetics (formerly Invitae), Labcorp
Classification: Uncertain significance. Last evaluated: 2023-07-07. Review status: criteria provided, single submitter. Criteria: Invitae Variant Classification Sherloc (09022015). Collection method: clinical testing. Allele origin: germline.
Comment: This sequence change replaces serine, which is neutral and polar, with cysteine, which is neutral and slightly polar, at codon 130 of the ACVR1 protein (p.Ser130Cys). This variant is not present in population databases (gnomAD no frequency). This variant has not been reported in the literature in individuals affected with ACVR1-related conditions. ClinVar contains an entry for this variant (Variation ID: 2098938). An algorithm developed to predict the effect of missense changes on protein structure and function (PolyPhen-2) suggests that this variant is likely to be tolerated. In summary, the available evidence is currently insufficient to determine the role of this variant in disease. Therefore, it has been classified as a Variant of Uncertain Significance.

NM_001111067.4(ACVR1):c.389C>G (p.Ser130Cys)

Gene: ACVR1 (activin A receptor type 1; minus strand). Cytogenetic location: 2q24.1.
Variant type: single nucleotide variant.
Coding change: c.389C>G on transcript NM_001111067.4 (MANE Select); coding-DNA position 389, C replaced by G.
Protein change: p.Ser130Cys; replaces serine 130 with cysteine.
Molecular consequence: missense variant.
Genome position (GRCh38, 1-based): chr2:157,778,285, G>C on the plus strand (C>G on the coding strand, the complement: ACVR1 is on the minus strand). VCF-style: chr2-157778285-G-C. GRCh37 (hg19) VCF-style: chr2-158634797-G-C.
Other names: c.389C>G, p.Ser130Cys (NM_001105.5, NM_001347663.1, NM_001347664.1 and 3 more transcripts); short protein forms S130C.
Identifiers: ClinVar variation 2098938 (VCV002098938.4), dbSNP rs1342623415, ClinGen allele CA349193032.